The following is an entry in ClinVar:

ClinVar aggregate classification (germline): Uncertain significance (1 of 4 stars; one submission).

Conditions:
Aortic aneurysm, familial thoracic 7 (AAT7). Also called: AORTIC DISSECTION, FAMILIAL, WITH OR WITHOUT AORTIC ANEURYSM. Identifiers: MedGen C3151077, MONDO:0013418, OMIM 613780.

Allele frequency attached by ClinVar (database versions not stated): gnomAD exomes below 0.00001.
gnomAD v4.1: 1 of 1,606,246 alleles (0.000062%); highest among the groups gnomAD compares: Non-Finnish European, 0.000085%; no homozygotes.

Submission:

Labcorp Genetics (formerly Invitae), Labcorp
Classification: Uncertain significance for Aortic aneurysm, familial thoracic 7. Last evaluated: 2023-10-28. Review status: criteria provided, single submitter. Criteria: Invitae Variant Classification Sherloc (09022015). Collection method: clinical testing. Allele origin: germline.
Comment: This sequence change replaces cysteine, which is neutral and slightly polar, with arginine, which is basic and polar, at codon 828 of the MYLK protein (p.Cys828Arg). This variant is not present in population databases (gnomAD no frequency). This variant has not been reported in the literature in individuals affected with MYLK-related conditions. Advanced modeling of protein sequence and biophysical properties (such as structural, functional, and spatial information, amino acid conservation, physicochemical variation, residue mobility, and thermodynamic stability) performed at Invitae indicates that this missense variant is not expected to disrupt MYLK protein function with a negative predictive value of 80%. In summary, the available evidence is currently insufficient to determine the role of this variant in disease. Therefore, it has been classified as a Variant of Uncertain Significance.

NM_053025.4(MYLK):c.2482T>C (p.Cys828Arg)

Gene: MYLK (myosin light chain kinase; minus strand). Cytogenetic location: 3q21.1.
Variant type: single nucleotide variant.
Coding change: c.2482T>C on transcript NM_053025.4 (MANE Select); coding-DNA position 2482, T replaced by C.
Protein change: p.Cys828Arg; replaces cysteine 828 with arginine.
Molecular consequence: missense variant.
Genome position (GRCh38, 1-based): chr3:123,700,986, A>G on the plus strand (T>C on the coding strand, the complement: MYLK is on the minus strand). VCF-style: chr3-123700986-A-G. GRCh37 (hg19) VCF-style: chr3-123419833-A-G.
Other names: c.1954T>C, p.Cys652Arg (NM_001321309.2); c.2275T>C, p.Cys759Arg (NM_053026.4, NM_053028.4); c.2482T>C, p.Cys828Arg (NM_053027.4); short protein forms C828R, C652R, C759R.
Identifiers: ClinVar variation 3012388 (VCV003012388.3), dbSNP rs2474190972, ClinGen allele CA354232568.